The following is an entry in ClinVar:

ClinVar aggregate classification (germline): Likely benign (1 of 4 stars; one submission).

Conditions:
UCP3-related disorder. Also called: UCP3-related condition.

gnomAD v4.1: 1 of 1,613,994 alleles (0.000062%); highest among the groups gnomAD compares: African/African-American, 0.0013%; no homozygotes.

Submission:

PreventionGenetics, part of Exact Sciences
Classification: Likely benign for UCP3-related condition. Last evaluated: 2025-10-28. Review status: criteria provided, single submitter. Criteria: ACMG Guidelines, 2015. Collection method: clinical testing. Allele origin: germline.
Comment: This variant is classified as likely benign based on ACMG/AMP sequence variant interpretation guidelines (Richards et al. 2015 PMID: 25741868, with internal and published modifications).

NM_003356.4(UCP3):c.643+3G>A

Genes: UCP3 (uncoupling protein 3; minus strand), LOC126861261 (MED14-independent group 3 enhancer GRCh37_chr11:73715060-73716259; plus strand). Cytogenetic location: 11q13.4.
Variant type: single nucleotide variant.
Coding change: c.643+3G>A on transcript NM_003356.4 (MANE Select); 3 bases into the intron after coding-DNA position 643, G replaced by A.
Molecular consequence: intron variant.
Genome position (GRCh38, 1-based): chr11:74,004,481, C>T on the plus strand (G>A on the coding strand, the complement: UCP3 is on the minus strand). VCF-style: chr11-74004481-C-T. GRCh37 (hg19) VCF-style: chr11-73715526-C-T.
Other names: c.643+3G>A (NM_022803.3).
Identifiers: ClinVar variation 4994155 (VCV004994155.1).